The following is an entry in ClinVar:

ClinVar aggregate classification (germline): Conflicting classifications of pathogenicity. Review status: criteria provided, conflicting classifications (1 of 4 stars). 3 submissions from 3 submitters: Uncertain significance (2); Likely benign (1). Last evaluated 2025-06-13.

Conditions:
Cardiovascular phenotype. Identifiers: MedGen CN230736.
Long QT syndrome (LQTS). Identifiers: MedGen C0023976, MeSH D008133, MONDO:0002442. Disease mechanism: loss of function. Inheritance: Various modes of inheritance.

Allele frequency attached by ClinVar (database versions not stated): gnomAD exomes below 0.00001.
gnomAD v4.1: 2 of 1,614,002 alleles (0.00012%); highest among the groups gnomAD compares: East Asian, 0.0045%; no homozygotes.

Submissions (3):

GeneDx
Classification: Uncertain significance. Last evaluated: 2025-06-13. Review status: criteria provided, single submitter. Criteria: GeneDx Variant Classification Process June 2021. Collection method: clinical testing. Allele origin: germline. Affected: yes.
Comment: Not observed at significant frequency in large population cohorts (gnomAD); In silico analysis suggests that this missense variant does not alter protein structure/function; Has not been previously published as pathogenic or benign to our knowledge

Ambry Genetics
Classification: Likely benign for Cardiovascular phenotype. Last evaluated: 2023-03-22. Review status: criteria provided, single submitter. Criteria: Ambry Variant Classification Scheme 2023. Collection method: clinical testing. Allele origin: germline.

Labcorp Genetics (formerly Invitae), Labcorp
Classification: Uncertain significance for Long QT syndrome. Last evaluated: 2022-08-20. Review status: criteria provided, single submitter. Criteria: Invitae Variant Classification Sherloc (09022015). Collection method: clinical testing. Allele origin: germline.
Comment: In summary, the available evidence is currently insufficient to determine the role of this variant in disease. Therefore, it has been classified as a Variant of Uncertain Significance. Algorithms developed to predict the effect of missense changes on protein structure and function output the following: SIFT: "Tolerated"; PolyPhen-2: "Benign"; Align-GVGD: "Class C0". The asparagine amino acid residue is found in multiple mammalian species, which suggests that this missense change does not adversely affect protein function. This variant has not been reported in the literature in individuals affected with ANK2-related conditions. This variant is present in population databases (no rsID available, gnomAD 0.01%). This sequence change replaces lysine, which is basic and polar, with asparagine, which is neutral and polar, at codon 1677 of the ANK2 protein (p.Lys1677Asn).

NM_001148.6(ANK2):c.5031G>T (p.Lys1677Asn)

Gene: ANK2 (ankyrin 2; plus strand). Cytogenetic location: 4q26.
Variant type: single nucleotide variant.
Coding change: c.5031G>T on transcript NM_001148.6 (MANE Select); coding-DNA position 5031, G replaced by T.
Protein change: p.Lys1677Asn; replaces lysine 1677 with asparagine.
Molecular consequence: missense variant. On other transcripts: intron variant (68).
Genome position (GRCh38, 1-based): chr4:113,353,649, G>T. VCF-style: chr4-113353649-G-T. GRCh37 (hg19) VCF-style: chr4-114274805-G-T.
Other names: c.4797G>T, p.Lys1599Asn (NM_001386142.1); c.1431G>T, p.Lys477Asn (NM_001386166.1); c.5172G>T, p.Lys1724Asn (NM_001386174.1); c.5148G>T, p.Lys1716Asn (NM_001386175.1); c.4411+3400G>T (NM_001386186.2, NM_001386148.2); c.4213+3400G>T (NM_001354269.3); c.4291+3400G>T (NM_001386187.2); c.4252+3400G>T (NM_001386147.1); and 35 more; short protein forms K1677N, K1716N, K477N, K1599N, K1724N.
Identifiers: ClinVar variation 1744905 (VCV001744905.8), dbSNP rs1333983188, ClinGen allele CA357917952.
Genomic context (GRCh38, chr4:113,353,649, plus strand): 5'-AGTTCAAGATAAGGCAGGGAAGAAATGTGAGGCTCTGGCTGTTGGCAGGAGCTCTGAAAA[G>T]GAAGGGAAAGACATACCCCCAGATGAGACACAGAGTACACAGAAACAGCACAAACCAAGC-3'
Protein context (NP_001139.3, residues 1667-1687): EALAVGRSSE[Lys1677Asn]EGKDIPPDET